The following is an entry in ClinVar:

NM_001481.3(DRC4):c.81C>G (p.Ser27Arg)

Gene: DRC4 (dynein regulatory complex subunit 4; plus strand). Cytogenetic location: 16q24.3.
Variant type: single nucleotide variant.
Coding change: c.81C>G on transcript NM_001481.3 (MANE Select); coding-DNA position 81, C replaced by G.
Protein change: p.Ser27Arg; replaces serine 27 with arginine.
Molecular consequence: missense variant. On other transcripts: 5 prime UTR variant (2).
Genome position (GRCh38, 1-based): chr16:90,027,713, C>G. VCF-style: chr16-90027713-C-G. GRCh37 (hg19) VCF-style: chr16-90094121-C-G.
Other names: c.-292C>G (NM_001286205.2); c.-564C>G (NM_001286208.2); c.6C>G, p.Ser2Arg (NM_001286209.2); short protein forms S27R, S2R.
Identifiers: ClinVar variation 1050909 (VCV001050909.9), dbSNP rs2151276720, ClinGen allele CA397458619.

ClinVar aggregate classification (germline): Uncertain significance (1 of 4 stars; one submission).

Conditions:
Primary ciliary dyskinesia 33. Also called: CILIARY DYSKINESIA, PRIMARY, 33, WITHOUT SITUS INVERSUS. Identifiers: Orphanet 244, MedGen C4225230, MONDO:0014750, OMIM 616726.

Submission:

Labcorp Genetics (formerly Invitae), Labcorp
Classification: Uncertain significance for Primary ciliary dyskinesia 33. Last evaluated: 2020-06-21. Review status: criteria provided, single submitter. Criteria: Invitae Variant Classification Sherloc (09022015). Collection method: clinical testing. Allele origin: germline.
Comment: Algorithms developed to predict the effect of missense changes on protein structure and function are either unavailable or do not agree on the potential impact of this missense change (SIFT: "Deleterious"; PolyPhen-2: "Benign"; Align-GVGD: "Class C0"). This sequence change replaces serine with arginine at codon 27 of the GAS8 protein (p.Ser27Arg). The serine residue is moderately conserved and there is a moderate physicochemical difference between serine and arginine. This variant is not present in population databases (ExAC no frequency). This variant has not been reported in the literature in individuals with GAS8-related conditions. In summary, the available evidence is currently insufficient to determine the role of this variant in disease. Therefore, it has been classified as a Variant of Uncertain Significance.